The following is an entry in ClinVar:

ClinVar aggregate classification (germline): Uncertain significance (1 of 4 stars; one submission).

Conditions:
Spermatogenic failure 35. Identifiers: MedGen C5193038, MONDO:0032686, OMIM 618341.

Submission:

Juno Genomics, Hangzhou Juno Genomics, Inc
Classification: Uncertain significance for Spermatogenic failure 35. Review status: criteria provided, single submitter. Criteria: ACMG Guidelines, 2015. Collection method: clinical testing. Allele origin: germline.
Comment: Absent from controls (or at extremely low frequency if recessive) in Genome Aggregation Database.;Protein length changes due to in-frame deletions/insertions in a non-repeat region or stop-loss variants.

NM_001388453.1(QRICH2):c.4051TCC[2] (p.Ser1353del)

Gene: QRICH2 (glutamine rich 2; minus strand). Cytogenetic location: 17q25.1.
Variant type: Microsatellite.
Coding change: c.4051TCC[2] on transcript NM_001388453.1 (MANE Select); two copies in a row of the 3-base unit TCC starting at c.4051; the reference has three copies in a row; one copy, 3 bases deleted; also written c.4057_4059del.
Protein change: p.Ser1353del; deletes serine 1353.
Molecular consequence: inframe deletion. On other transcripts: non-coding transcript variant (1).
Genome position (GRCh38, 1-based): chr17:76,282,068-76,282,070, GGA deleted on the plus strand (TCC on the coding strand, the reverse complement: QRICH2 is on the minus strand); deleting any 3 consecutive bases within chr17:76,282,068-76,282,078 gives the same sequence; the position shown is the placement nearest the transcript's 3' end. VCF-style (leftmost placement, unchanged base first): chr17-76282067-TGGA-T. GRCh37 (hg19) VCF-style: chr17-74278148-TGGA-T.
Other names: c.4051TCC[2], p.Ser1353del (NM_032134.3); c.4057_4059del (NM_001388453.1); short protein forms S1353del.
Identifiers: ClinVar variation 5018918 (VCV005018918.2).